The following is an entry in ClinVar:

ClinVar aggregate classification (germline): Likely pathogenic (1 of 4 stars; one submission).

Conditions:
Argininosuccinate lyase deficiency. Also called: ARGININOSUCCINIC ACID LYASE DEFICIENCY; ASL DEFICIENCY; Argininosuccinic aciduria. Identifiers: Orphanet 23, MedGen C0268547, MONDO:0008815, OMIM 207900, HP:0025630.

Allele frequency attached by ClinVar (database versions not stated): gnomAD exomes below 0.00001.

Submission:

Labcorp Genetics (formerly Invitae), Labcorp
Classification: Likely pathogenic for Argininosuccinate lyase deficiency. Last evaluated: 2023-09-22. Review status: criteria provided, single submitter. Criteria: Invitae Variant Classification Sherloc (09022015). Collection method: clinical testing. Allele origin: germline.
Comment: In summary, the currently available evidence indicates that the variant is pathogenic, but additional data are needed to prove that conclusively. Therefore, this variant has been classified as Likely Pathogenic. This variant disrupts the p.Gly206 amino acid residue in ASL. Other variant(s) that disrupt this residue have been determined to be pathogenic (PMID: 24166829, 31943503). This suggests that this residue is clinically significant, and that variants that disrupt this residue are likely to be disease-causing. Advanced modeling of protein sequence and biophysical properties (such as structural, functional, and spatial information, amino acid conservation, physicochemical variation, residue mobility, and thermodynamic stability) performed at Invitae indicates that this missense variant is expected to disrupt ASL protein function. This variant has not been reported in the literature in individuals affected with ASL-related conditions. This variant is not present in population databases (gnomAD no frequency). This sequence change replaces glycine, which is neutral and non-polar, with serine, which is neutral and polar, at codon 206 of the ASL protein (p.Gly206Ser).

Literature cited by the submitters: PubMed 24166829; PubMed 31943503.

NM_000048.4(ASL):c.616G>A (p.Gly206Ser)

Gene: ASL (argininosuccinate lyase; plus strand). Cytogenetic location: 7q11.21.
Variant type: single nucleotide variant.
Coding change: c.616G>A on transcript NM_000048.4 (MANE Select); coding-DNA position 616, G replaced by A.
Protein change: p.Gly206Ser; replaces glycine 206 with serine.
Molecular consequence: missense variant.
Genome position (GRCh38, 1-based): chr7:66,087,347, G>A. VCF-style: chr7-66087347-G-A. GRCh37 (hg19) VCF-style: chr7-65552334-G-A.
Other names: c.616G>A, p.Gly206Ser (NM_001024943.2, NM_001024944.2); c.538G>A, p.Gly180Ser (NM_001024946.2); short protein forms G206S, G180S.
Identifiers: ClinVar variation 2762630 (VCV002762630.3), dbSNP rs2485011388, ClinGen allele CA367642887.